The following is an entry in ClinVar:

NM_000548.5(TSC2):c.3131+4C>T

Gene: TSC2 (TSC complex subunit 2; plus strand). Cytogenetic location: 16p13.3.
Variant type: single nucleotide variant.
Coding change: c.3131+4C>T on transcript NM_000548.5 (MANE Select); 4 bases into the intron after coding-DNA position 3131, C replaced by T.
Molecular consequence: intron variant.
Genome position (GRCh38, 1-based): chr16:2,079,200, C>T. VCF-style: chr16-2079200-C-T. GRCh37 (hg19) VCF-style: chr16-2129201-C-T.
Other names: c.3131+4C>T (NM_001114382.3, NM_000548.3); c.3002+4C>T (NM_021055.3, NM_001370405.1, NM_001363528.2); c.2999+4C>T (NM_001370404.1, NM_001077183.3); c.2891+4C>T (NM_001318827.2); c.2399+4C>T (NM_001318831.2); c.2855+4C>T (NM_001318829.2); c.3032+4C>T (NM_001318832.2).
Identifiers: ClinVar variation 1045473 (VCV001045473.9), dbSNP rs559015964, ClinGen allele CA276745367.

ClinVar aggregate classification (germline): Conflicting classifications of pathogenicity. Review status: criteria provided, conflicting classifications (1 of 4 stars). 2 submissions from 2 submitters: Uncertain significance (1); Likely benign (1). Last evaluated 2026-07-30.

Conditions:
Tuberous sclerosis 2 (TSC2). Identifiers: Orphanet 805, MedGen C1860707, MONDO:0013199, OMIM 613254.
Hereditary cancer-predisposing syndrome. Also called: Tumor predisposition; Hereditary Cancer Syndrome; Hereditary neoplastic syndrome; Neoplastic Syndromes, Hereditary. Identifiers: Orphanet 140162, MedGen C0027672, MeSH D009386, MONDO:0015356.

Allele frequency attached by ClinVar (database versions not stated): TOPMed below 0.00001.
gnomAD v4.1: 4 of 1,612,908 alleles (0.00025%); highest among the groups gnomAD compares: East Asian, 0.0022%; no homozygotes.

Submissions (2):

Ambry Genetics
Classification: Uncertain significance for Hereditary cancer-predisposing syndrome. Last evaluated: 2026-07-30. Review status: criteria provided, single submitter. Criteria: Ambry Variant Classification Scheme 2023. Collection method: clinical testing. Allele origin: germline.
Comment: The c.3131+4C>T intronic variant results from a C to T substitution 4 nucleotides after coding exon 26 in the TSC2 gene. This nucleotide position is not well conserved in available vertebrate species. In silico splice site analysis predicts that this alteration will not have any significant effect on splicing. Based on the available evidence, the clinical significance of this variant remains unclear.

Labcorp Genetics (formerly Invitae), Labcorp
Classification: Likely benign for Tuberous sclerosis 2. Last evaluated: 2025-04-21. Review status: criteria provided, single submitter. Criteria: Invitae Variant Classification Sherloc (09022015). Collection method: clinical testing. Allele origin: germline.